The following is an entry in ClinVar:

ClinVar aggregate classification (germline): Conflicting classifications of pathogenicity. Review status: criteria provided, conflicting classifications (1 of 4 stars). 3 submissions from 3 submitters: Uncertain significance (2); Likely benign (1). Last evaluated 2023-10-04.

Conditions:
Neurodevelopmental disorder with hypotonia, seizures, and absent language (NDHSAL). Identifiers: MedGen C4310643, MONDO:0014995, OMIM 617268.
Inborn genetic diseases. Identifiers: MedGen C0950123, MeSH D030342.

Allele frequency attached by ClinVar (database versions not stated): gnomAD exomes 0.00001; ExAC 0.00003; gnomAD 0.00007; ESP Exome Variant Server 0.00008; TOPMed 0.00013.
gnomAD v4.1: 19 of 1,613,460 alleles (0.0012%); highest among the groups gnomAD compares: African/African-American, 0.017%; no homozygotes.

Submissions (3):

Women's Health and Genetics/Laboratory Corporation of America, LabCorp
Classification: Uncertain significance. Last evaluated: 2023-10-04. Review status: criteria provided, single submitter. Criteria: LabCorp Variant Classification Summary - May 2015. Collection method: clinical testing. Allele origin: germline.
Comment: Variant summary: HECW2 c.3152G>A (p.Arg1051Gln) results in a conservative amino acid change in the encoded protein sequence. Three of five in-silico tools predict a damaging effect of the variant on protein function. The variant allele was found at a frequency of 1.6e-05 in 251150 control chromosomes (gnomAD). The available data on variant occurrences in the general population are insufficient to allow any conclusion about variant significance. To our knowledge, no occurrence of c.3152G>A in individuals affected with Neurodevelopmental Disorder With Hypotonia, Seizures, And Absent Language and no experimental evidence demonstrating its impact on protein function have been reported. Two submitters have cited clinical-significance assessments for this variant to ClinVar after 2014. One submitter classified the variant as likely benign, and one submitter classified the variant as uncertain significance. Based on the evidence outlined above, the variant was classified as uncertain significance.

Ambry Genetics
Classification: Likely benign for Inborn genetic diseases. Last evaluated: 2021-06-09. Review status: criteria provided, single submitter. Criteria: Ambry Variant Classification Scheme 2023. Collection method: clinical testing. Allele origin: germline.

Revvity Omics, Revvity
Classification: Uncertain significance for Neurodevelopmental disorder with hypotonia, seizures, and absent language. Last evaluated: 2019-09-26. Review status: criteria provided, single submitter. Criteria: ACMG Guidelines, 2015. Collection method: clinical testing. Allele origin: germline.

NM_001348768.2(HECW2):c.3152G>A (p.Arg1051Gln)

Gene: HECW2 (HECT, C2 and WW domain containing E3 ubiquitin protein ligase 2; minus strand). Cytogenetic location: 2q32.3.
Variant type: single nucleotide variant.
Coding change: c.3152G>A on transcript NM_001348768.2 (MANE Select); coding-DNA position 3152, G replaced by A.
Protein change: p.Arg1051Gln; replaces arginine 1051 with glutamine.
Molecular consequence: missense variant.
Genome position (GRCh38, 1-based): chr2:196,274,107, C>T on the plus strand (G>A on the coding strand, the complement: HECW2 is on the minus strand). VCF-style: chr2-196274107-C-T. GRCh37 (hg19) VCF-style: chr2-197138831-C-T.
Other names: c.2084G>A, p.Arg695Gln (NM_001304840.3); c.3152G>A, p.Arg1051Gln (NM_020760.4); short protein forms R695Q, R1051Q.
Identifiers: ClinVar variation 2231315 (VCV002231315.6), dbSNP rs142736839, ClinGen allele CA2037843.
Genomic context (GRCh38, chr2:196,274,107, plus strand): 5'-GGCCTACTGACTGTATTGAATGTACTGGATGGCCTGGGAAGAACTGGTGGTCCTGCATGT[C>T]GAGAATCTTCTCCTACCTGCAAACAGAAGCATCATTTATGTTCTGCACCAAGAGCCAGAA-3'
Protein context (NP_001335697.1, residues 1041-1061): HSAGEVGEDS[Arg1051Gln]HAGPPVLPRP